The following is an entry in ClinVar:

ClinVar aggregate classification (germline): Uncertain significance (1 of 4 stars; one submission).

Allele frequency attached by ClinVar (database versions not stated): ExAC 0.00002; gnomAD exomes 0.00004 and 0.00007; TOPMed 0.00006; gnomAD 0.00007; ESP Exome Variant Server 0.00008.
gnomAD v4.1: 113 of 1,597,722 alleles (0.0071%); highest among the groups gnomAD compares: Non-Finnish European, 0.0084%; no homozygotes.

Submissions (2):

Labcorp Genetics (formerly Invitae), Labcorp
Classification: Uncertain significance. Last evaluated: 2020-11-23. Review status: criteria provided, single submitter. Criteria: Invitae Variant Classification Sherloc (09022015). Collection method: clinical testing. Allele origin: germline.
Comment: In summary, the available evidence is currently insufficient to determine the role of this variant in disease. Therefore, it has been classified as a Variant of Uncertain Significance. Algorithms developed to predict the effect of sequence changes on RNA splicing suggest that this variant may disrupt the consensus splice site, but this prediction has not been confirmed by published transcriptional studies. Algorithms developed to predict the effect of missense changes on protein structure and function are either unavailable or do not agree on the potential impact of this missense change (SIFT: "Tolerated"; PolyPhen-2: "Possibly Damaging"; Align-GVGD: "Class C0"). This variant has not been reported in the literature in individuals with ORC4-related conditions. This variant is present in population databases (rs201791438, ExAC 0.006%). This sequence change replaces glutamic acid with lysine at codon 352 of the ORC4 protein (p.Glu352Lys). The glutamic acid residue is highly conserved and there is a small physicochemical difference between glutamic acid and lysine.

Dr. Peter K. Rogan Lab, Western University
No classification provided (evidence only). Condition: Ovarian serous cystadenocarcinoma. Review status: no classification provided. Collection method: in vitro. Allele origin: not applicable. Functional consequence: retained intron. Not counted in ClinVar's aggregate classification.

NM_181741.4(ORC4):c.1054G>A (p.Glu352Lys)

Gene: ORC4 (origin recognition complex subunit 4; minus strand). Cytogenetic location: 2q23.1.
Variant type: single nucleotide variant.
Coding change: c.1054G>A on transcript NM_181741.4 (MANE Select); coding-DNA position 1054, G replaced by A.
Protein change: p.Glu352Lys; replaces glutamic acid 352 with lysine.
Molecular consequence: missense variant.
Genome position (GRCh38, 1-based): chr2:147,938,298, C>T on the plus strand (G>A on the coding strand, the complement: ORC4 is on the minus strand). VCF-style: chr2-147938298-C-T. GRCh37 (hg19) VCF-style: chr2-148695867-C-T.
Other names: c.1054G>A, p.Glu352Lys (NM_001190879.3, NM_001374270.1, NM_002552.5 and 1 more transcripts); c.802G>A, p.Glu268Lys (NM_001190881.3, NM_001374272.1); c.832G>A, p.Glu278Lys (NM_001190882.3); short protein forms E268K, E278K, E352K.
Identifiers: ClinVar variation 1006987 (VCV001006987.7), dbSNP rs201791438, ClinGen allele CA1899407.